The following is an entry in ClinVar:

ClinVar aggregate classification (germline): Benign/Likely benign. Review status: criteria provided, multiple submitters, no conflicts (2 of 4 stars). 15 submissions from 15 submitters: Benign (6); Likely benign (6). 3 of the submissions do not count toward it. Last evaluated 2026-08-01.

Conditions:
Retinal dystrophy. Also called: Inherited retinal dystrophy. Identifiers: Orphanet 71862, MedGen C0854723, MeSH D058499, MONDO:0019118, HP:0000556.
Retinitis pigmentosa 39 (RP39). Identifiers: Orphanet 791, MedGen C3151138, MONDO:0013436, OMIM 613809.
Usher syndrome type 2A. Also called: RETINAL DISEASE IN USHER SYNDROME TYPE IIA, MODIFIER OF; USHER SYNDROME, TYPE IIA. Identifiers: Orphanet 231178, Orphanet 886, MedGen C1848634, MONDO:0010169, OMIM 276901.

Allele frequency attached by ClinVar (database versions not stated): 1000 Genomes Project 0.00399; ESP Exome Variant Server 0.00500; gnomAD 0.00606 and 0.00582; gnomAD exomes 0.00739 and 0.00636; 1000 Genomes Project 30x 0.00422; TOPMed 0.00552; ExAC 0.00637.
gnomAD v4.1: 11,710 of 1,612,766 alleles (0.73%); highest among the groups gnomAD compares: Middle Eastern, 0.84%; 56 homozygotes.

Submissions (17):

CeGaT Center for Human Genetics Tuebingen
Classification: Likely benign. Last evaluated: 2026-08-01. Review status: criteria provided, single submitter. Criteria: CeGaT Center For Human Genetics Tuebingen Variant Classification Criteria Version 2. Collection method: clinical testing. Allele origin: germline. Affected: yes. Observed: 20 variant alleles.
Comment: USH2A: BP4, BS2

Labcorp Genetics (formerly Invitae), Labcorp
Classification: Benign. Last evaluated: 2026-02-01. Review status: criteria provided, single submitter. Criteria: Invitae Variant Classification Sherloc (09022015). Collection method: clinical testing. Allele origin: germline.

Genomic Medicine Center of Excellence, King Faisal Specialist Hospital and Research Centre
Classification: Likely benign. Last evaluated: 2025-08-18. Review status: criteria provided, single submitter. Criteria: ACMG Guidelines, 2015. Collection method: clinical testing. Allele origin: germline.

Blueprint Genetics
Classification: Likely benign. Last evaluated: 2024-11-20. Review status: criteria provided, single submitter. Criteria: ACMG Guidelines, 2015. Collection method: clinical testing. Allele origin: germline.

Women's Health and Genetics/Laboratory Corporation of America, LabCorp
Classification: Benign. Last evaluated: 2022-02-18. Review status: criteria provided, single submitter. Criteria: LabCorp Variant Classification Summary - May 2015. Collection method: clinical testing. Allele origin: germline.
Comment: Variant summary: USH2A c.9262G>A (p.Glu3088Lys) results in a conservative amino acid change in the encoded protein sequence. Three of five in-silico tools predict a damaging effect of the variant on protein function. The variant allele was found at a frequency of 0.0064 in 251272 control chromosomes in the gnomAD database, including 12 homozygotes. This frequency is not significantly higher than estimated for a pathogenic variant in USH2A causing Usher Syndrome (0.0064 vs 0.011), allowing no conclusion about variant significance. Although this variant has been reported in the literature, to our knowledge, no occurrence of c.9262G>A in individuals affected with Usher Syndrome and no experimental evidence demonstrating its impact on protein function have been reported. Six clinical diagnostic laboratories have submitted clinical-significance assessments for this variant to ClinVar after 2014 without evidence for independent evaluation. All laboratories classified the variant as benign/likely benign. Based on the evidence outlined above, the variant was classified as benign.

Fulgent Genetics
Classification: Likely benign for Usher syndrome type 2A; Retinitis pigmentosa 39. Last evaluated: 2021-09-09. Review status: criteria provided, single submitter. Criteria: ACMG Guidelines, 2015. Collection method: clinical testing. Allele origin: unknown.

Genome-Nilou Lab
Classification: Benign for Usher syndrome type 2A. Last evaluated: 2021-07-01. Review status: criteria provided, single submitter. Criteria: ACMG Guidelines, 2015. Collection method: clinical testing. Allele origin: germline. Affected: no.

GeneDx
Classification: Benign. Last evaluated: 2019-01-16. Review status: criteria provided, single submitter. Criteria: GeneDx Variant Classification Process June 2021. Collection method: clinical testing. Allele origin: germline. Affected: yes.
Comment: This variant is associated with the following publications: (PMID: 21909055, 20507924, 26927203, 18273898, 22004887, 21559123, 19683999, 25999674)

Institute of Human Genetics, Univ. Regensburg, Univ. Regensburg
Classification: Likely benign for Retinal dystrophy. Last evaluated: 2019-01-01. Review status: criteria provided, single submitter. Criteria: ACMG Guidelines, 2015. Collection method: clinical testing. Allele origin: germline. Affected: yes.

Eurofins Ntd Llc (ga)
Classification: Benign. Last evaluated: 2015-04-28. Review status: criteria provided, single submitter. Criteria: EGL Classification Definitions 2015. Collection method: clinical testing. Allele origin: germline. Observed: 1 variant allele, 1 heterozygote.

Laboratory for Molecular Medicine, Mass General Brigham Personalized Medicine
Classification: Benign. Last evaluated: 2012-06-26. Review status: criteria provided, single submitter. Criteria: LMM Criteria. Collection method: clinical testing. Allele origin: germline. Observed: 26 variant alleles.
Comment: Glu3088Lys in exon 47 of USH2A: This variant is not expected to have clinical si gnificance because it has been identified in 0.7% (47/7020) of European American chromosomes and 0.2% (7/3738) of African American chromosomes from a broad popu lation by the NHLBI Exome sequencing project ((rs56056328). It addition, it occurrs at an equal frequency in cases and contro ls (McGee 2010; Dreyer 2008).

Breakthrough Genomics
Classification: Likely benign. Review status: criteria provided, single submitter. Criteria: ACMG Guidelines, 2015. Collection method: not provided. Allele origin: germline. Inheritance: Autosomal recessive inheritance. Affected: yes.

Natera, Inc.
Classification: Likely benign for Usher syndrome type 2A. Last evaluated: 2020-01-11. Review status: no assertion criteria provided. Collection method: clinical testing. Allele origin: germline. Not counted in ClinVar's aggregate classification.

Clinical Genetics DNA and cytogenetics Diagnostics Lab, Erasmus MC, Erasmus Medical Center
Classification: Likely benign. Review status: no assertion criteria provided. Collection method: clinical testing. Allele origin: germline. Affected: yes. Study: VKGL Data-share Consensus. Not counted in ClinVar's aggregate classification.

Clinical Genetics, Academic Medical Center
Classification: Benign. Review status: no assertion criteria provided. Collection method: clinical testing. Allele origin: germline. Affected: yes. Study: VKGL Data-share Consensus. Not counted in ClinVar's aggregate classification.

Dr. Peter K. Rogan Lab, Western University
No classification provided (evidence only). Condition: Thyroid cancer, nonmedullary, 1. Review status: no classification provided. Collection method: in vitro. Allele origin: not applicable. Functional consequence: retained intron. Not counted in ClinVar's aggregate classification.

Dr. Peter K. Rogan Lab, Western University
No classification provided (evidence only). Condition: Nonpapillary renal cell carcinoma. Review status: no classification provided. Collection method: in vitro. Allele origin: not applicable. Functional consequence: retained intron. Not counted in ClinVar's aggregate classification.

Literature cited by the submitters: PubMed 26927203 (cited by Institute of Human Genetics, Univ. Regensburg, Univ. Regensburg); PubMed 18273898 (cited by Laboratory for Molecular Medicine, Mass General Brigham Personalized Medicine); PubMed 20507924 (cited by Laboratory for Molecular Medicine, Mass General Brigham Personalized Medicine).

NM_206933.4(USH2A):c.9262G>A (p.Glu3088Lys)

Gene: USH2A (usherin; minus strand). Cytogenetic location: 1q41.
Variant type: single nucleotide variant.
Coding change: c.9262G>A on transcript NM_206933.4 (MANE Select); coding-DNA position 9262, G replaced by A.
Protein change: p.Glu3088Lys; replaces glutamic acid 3088 with lysine.
Molecular consequence: missense variant.
Genome position (GRCh38, 1-based): chr1:215,838,100, C>T on the plus strand (G>A on the coding strand, the complement: USH2A is on the minus strand). VCF-style: chr1-215838100-C-T. GRCh37 (hg19) VCF-style: chr1-216011442-C-T.
Other names: p.E3088K:GAA>AAA; short protein forms E3088K.
Identifiers: ClinVar variation 48618 (VCV000048618.67), dbSNP rs56056328, ClinGen allele CA143652.